The following is an entry in ClinVar:

ClinVar aggregate classification (germline): Uncertain significance (1 of 4 stars; one submission).

Allele frequency attached by ClinVar (database versions not stated): gnomAD 0.00001; TOPMed 0.00001.
gnomAD v4.1: 23 of 1,613,364 alleles (0.0014%); highest among the groups gnomAD compares: East Asian, 0.0089%; no homozygotes.

Submission:

Labcorp Genetics (formerly Invitae), Labcorp
Classification: Uncertain significance. Last evaluated: 2022-08-22. Review status: criteria provided, single submitter. Criteria: Invitae Variant Classification Sherloc (09022015). Collection method: clinical testing. Allele origin: germline.
Comment: This sequence change affects codon 723 of the CNGB1 mRNA. It is a 'silent' change, meaning that it does not change the encoded amino acid sequence of the CNGB1 protein. This variant is present in population databases (rs775308719, gnomAD 0.02%). This variant has not been reported in the literature in individuals affected with CNGB1-related conditions. Algorithms developed to predict the effect of sequence changes on RNA splicing suggest that this variant may create or strengthen a splice site. In summary, the available evidence is currently insufficient to determine the role of this variant in disease. Therefore, it has been classified as a Variant of Uncertain Significance.

NM_001297.5(CNGB1):c.2169G>A (p.Thr723=)

Gene: CNGB1 (cyclic nucleotide gated channel subunit beta 1; minus strand). Cytogenetic location: 16q21.
Variant type: single nucleotide variant.
Coding change: c.2169G>A on transcript NM_001297.5 (MANE Select); coding-DNA position 2169, G replaced by A.
Protein change: p.Thr723=; no amino-acid change (threonine 723 retained).
Molecular consequence: synonymous variant.
Genome position (GRCh38, 1-based): chr16:57,916,177, C>T on the plus strand (G>A on the coding strand, the complement: CNGB1 is on the minus strand). VCF-style: chr16-57916177-C-T. GRCh37 (hg19) VCF-style: chr16-57950081-C-T.
Other names: c.2151G>A, p.Thr717= (NM_001286130.2).
Identifiers: ClinVar variation 1925231 (VCV001925231.5), dbSNP rs775308719, ClinGen allele CA8083135.